The following is an entry in ClinVar:

NM_001203.3(BMPR1B):c.1112G>T (p.Arg371Leu)

Gene: BMPR1B (bone morphogenetic protein receptor type 1B; plus strand). Cytogenetic location: 4q22.3.
Variant type: single nucleotide variant.
Coding change: c.1112G>T on transcript NM_001203.3 (MANE Select); coding-DNA position 1112, G replaced by T.
Protein change: p.Arg371Leu; replaces arginine 371 with leucine.
Molecular consequence: missense variant.
Genome position (GRCh38, 1-based): chr4:95,148,783, G>T. VCF-style: chr4-95148783-G-T. GRCh37 (hg19) VCF-style: chr4-96069934-G-T.
Other names: c.1112G>T, p.Arg371Leu (NM_001256792.2, NM_001256794.1); c.1202G>T, p.Arg401Leu (NM_001256793.2); short protein forms R371L, R401L.
Identifiers: ClinVar variation 350125 (VCV000350125.8), dbSNP rs34970181, ClinGen allele CA3015184.
Genomic context (GRCh38, chr4:95,148,783, plus strand): 5'-ATGCTTTGCTTTACTTTTTCCTTAGTGATACAAATGAAGTTGACATACCACCTAACACTC[G>T]AGTTGGCACCAAACGCTATATGCCTCCAGAAGTGTTGGACGAGAGCTTGAACAGAAATCA-3'
Protein context (NP_001194.1, residues 361-381): TNEVDIPPNT[Arg371Leu]VGTKRYMPPE

ClinVar aggregate classification (germline): Benign/Likely benign. Review status: criteria provided, multiple submitters, no conflicts (2 of 4 stars). 2 submissions from 2 submitters: Benign (1); Likely benign (1). Last evaluated 2023-11-16.

Conditions:
Brachydactyly. Also called: Brachydactyly syndrome; Brachydactyly (disease). Identifiers: MedGen C0221357, MONDO:0021004, HP:0001156.
Acromesomelic dysplasia 3 (AMD3). Also called: CHONDRODYSPLASIA, ACROMESOMELIC, WITH OR WITHOUT GENITAL ANOMALIES; Acromesomelic dysplasia, Demirhan type. Identifiers: MedGen C4225404, MONDO:0012274, OMIM 609441.
Type A2 brachydactyly (BDA2). Also called: BRACHYMESOPHALANGY II; MOHR-WRIEDT TYPE BRACHYDACTYLY; Brachymesophalangy type 2. Identifiers: Orphanet 93396, MedGen C1832702, MONDO:0007216, OMIM 112600, HP:0009372.

Allele frequency attached by ClinVar (database versions not stated): TOPMed 0.00002.
gnomAD v4.1: 32 of 1,613,756 alleles (0.002%); highest among the groups gnomAD compares: South Asian, 0.0033%; no homozygotes.

Submissions (2):

Labcorp Genetics (formerly Invitae), Labcorp
Classification: Likely benign for Type A2 brachydactyly; Acromesomelic dysplasia 3. Last evaluated: 2023-11-16. Review status: criteria provided, single submitter. Criteria: Invitae Variant Classification Sherloc (09022015). Collection method: clinical testing. Allele origin: germline.

Illumina Laboratory Services, Illumina
Classification: Benign for Brachydactyly. Last evaluated: 2018-01-12. Review status: criteria provided, single submitter. Criteria: ICSL Variant Classification Criteria 13 December 2019. Collection method: clinical testing. Allele origin: germline.
Comment: This variant was observed in the ICSL laboratory as part of a predisposition screen in an ostensibly healthy population. It had not been previously curated by ICSL or reported in the Human Gene Mutation Database (HGMD: prior to June 1st, 2018), and was therefore a candidate for classification through an automated scoring system. Utilizing variant allele frequency, disease prevalence and penetrance estimates, and inheritance mode, an automated score was calculated to assess if this variant is too frequent to cause the disease. Based on the score and internal cut-off values, a variant classified as benign is not then subjected to further curation. The score for this variant resulted in a classification of benign for this disease.